The following is an entry in ClinVar:

ClinVar aggregate classification (germline): Conflicting classifications of pathogenicity. Review status: criteria provided, conflicting classifications (1 of 4 stars). 5 submissions from 5 submitters: Uncertain significance (1); Likely benign (3). 1 of the submissions does not count toward it. Last evaluated 2025-12-30.

Conditions:
Joubert syndrome 17 (JBTS17). Identifiers: Orphanet 475, MedGen C3553264, MONDO:0013824, OMIM 614615.
CPLANE1-related disorder. Also called: CPLANE1-related condition.

Allele frequency attached by ClinVar (database versions not stated): ESP Exome Variant Server 0.00008; gnomAD 0.00011 and 0.00013; gnomAD exomes 0.00013 and 0.00019; TOPMed 0.00013; ExAC 0.00019; 1000 Genomes Project 0.00020; 1000 Genomes Project 30x 0.00031.
gnomAD v4.1: 298 of 1,612,200 alleles (0.018%); highest among the groups gnomAD compares: Middle Eastern, 0.26%; 2 homozygotes.

Submissions (5):

Labcorp Genetics (formerly Invitae), Labcorp
Classification: Likely benign. Last evaluated: 2025-12-30. Review status: criteria provided, single submitter. Criteria: Invitae Variant Classification Sherloc (09022015). Collection method: clinical testing. Allele origin: germline.

Blueprint Genetics
Classification: Likely benign. Last evaluated: 2024-08-22. Review status: criteria provided, single submitter. Criteria: ACMG Guidelines, 2015. Collection method: clinical testing. Allele origin: germline.

CeGaT Center for Human Genetics Tuebingen
Classification: Likely benign. Last evaluated: 2023-12-01. Review status: criteria provided, single submitter. Criteria: CeGaT Center For Human Genetics Tuebingen Variant Classification Criteria Version 2. Collection method: clinical testing. Allele origin: germline. Affected: yes. Observed: 3 variant alleles.
Comment: CPLANE1: BP4, BP7

Illumina Laboratory Services, Illumina
Classification: Uncertain significance for Joubert syndrome 17. Last evaluated: 2018-01-13. Review status: criteria provided, single submitter. Criteria: ICSL Variant Classification Criteria 13 December 2019. Collection method: clinical testing. Allele origin: germline.

PreventionGenetics, part of Exact Sciences
Classification: Likely benign for CPLANE1-related condition. Last evaluated: 2020-07-31. Review status: no assertion criteria provided. Collection method: clinical testing. Allele origin: germline. Not counted in ClinVar's aggregate classification.
Comment: This variant is classified as likely benign based on ACMG/AMP sequence variant interpretation guidelines (Richards et al. 2015 PMID: 25741868, with internal and published modifications).

NM_001384732.1(CPLANE1):c.4953A>G (p.Val1651=)

Gene: CPLANE1 (ciliogenesis and planar polarity effector complex subunit 1; minus strand). Cytogenetic location: 5p13.2.
Variant type: single nucleotide variant.
Coding change: c.4953A>G on transcript NM_001384732.1 (MANE Select); coding-DNA position 4953, A replaced by G.
Protein change: p.Val1651=; no amino-acid change (valine 1651 retained).
Molecular consequence: synonymous variant.
Genome position (GRCh38, 1-based): chr5:37,183,228, T>C on the plus strand (A>G on the coding strand, the complement: CPLANE1 is on the minus strand). VCF-style: chr5-37183228-T-C. GRCh37 (hg19) VCF-style: chr5-37183330-T-C.
Other names: c.4953A>G, p.Val1651= (NM_023073.4).
Identifiers: ClinVar variation 789368 (VCV000789368.37), dbSNP rs373122844, ClinGen allele CA3238628.